The following is an entry in ClinVar:

ClinVar aggregate classification (germline): Conflicting classifications of pathogenicity. Review status: no assertion criteria provided (0 of 4 stars). 2 submissions from 2 submitters: Pathogenic (1); Benign (1). Last evaluated 2015-07-23.

Conditions:
Adams-Oliver syndrome 5 (AOS5). Identifiers: Orphanet 974, MedGen C4014970, MONDO:0014459, OMIM 616028.

Submissions (2):

University of British Columbia
Classification: Benign for Adams-Oliver syndrome 5. Last evaluated: 2015-07-23. Review status: no assertion criteria provided. Collection method: research. Allele origin: unknown. Affected: yes. Observed: 1 variant allele.
Comment: Our molecular modeling reported in Stittrich, Am J Hum Genet. 2014, also determined this variant to have no effect on protein structure.

OMIM
Classification: Pathogenic for ADAMS-OLIVER SYNDROME 5. Last evaluated: 2014-09-04. Review status: no assertion criteria provided. Collection method: literature only. Allele origin: germline.

Literature cited by the submitters: PubMed 25132448 (cited by University of British Columbia and OMIM); PubMed 15959515 (cited by OMIM).

NM_017617.5(NOTCH1):c.5965G>A (p.Asp1989Asn)

Genes: NOTCH1 (notch receptor 1; minus strand), LOC126860794 (BRD4-independent group 4 enhancer GRCh37_chr9:139392592-139393791; plus strand). Cytogenetic location: 9q34.3.
Variant type: single nucleotide variant.
Coding change: c.5965G>A on transcript NM_017617.5 (MANE Select); coding-DNA position 5965, G replaced by A.
Protein change: p.Asp1989Asn; replaces aspartic acid 1989 with asparagine.
Molecular consequence: missense variant.
Genome position (GRCh38, 1-based): chr9:136,499,229, C>T on the plus strand (G>A on the coding strand, the complement: NOTCH1 is on the minus strand). VCF-style: chr9-136499229-C-T. GRCh37 (hg19) VCF-style: chr9-139393681-C-T.
Other names: c.5965G>A, p.Asp1989Asn (LRG_1122t1); short protein forms D1989N.
Identifiers: ClinVar variation 156212 (VCV000156212.2), dbSNP rs587777734, ClinGen allele CA345931.